The following is an entry in ClinVar:

NM_004260.4(RECQL4):c.1406T>C (p.Val469Ala)

Gene: RECQL4 (RecQ like helicase 4; minus strand). Cytogenetic location: 8q24.3.
Variant type: single nucleotide variant.
Coding change: c.1406T>C on transcript NM_004260.4 (MANE Select); coding-DNA position 1406, T replaced by C.
Protein change: p.Val469Ala; replaces valine 469 with alanine.
Molecular consequence: missense variant.
Genome position (GRCh38, 1-based): chr8:144,515,227, A>G on the plus strand (T>C on the coding strand, the complement: RECQL4 is on the minus strand). VCF-style: chr8-144515227-A-G. GRCh37 (hg19) VCF-style: chr8-145740611-A-G.
Other names: short protein forms V469A.
Identifiers: ClinVar variation 640010 (VCV000640010.6), dbSNP rs529104564, ClinGen allele CA4948864.

ClinVar aggregate classification (germline): Uncertain significance (1 of 4 stars; one submission).

Conditions:
Baller-Gerold syndrome (BGS). Also called: CRANIOSYNOSTOSIS WITH RADIAL DEFECTS. Identifiers: Orphanet 1225, MedGen C0265308, MONDO:0009039, OMIM 218600.

Allele frequency attached by ClinVar (database versions not stated): ExAC below 0.00001; gnomAD exomes below 0.00001 and 0.00001; gnomAD 0.00002 and 0.00003; TOPMed 0.00002; 1000 Genomes Project 30x 0.00016; 1000 Genomes Project 0.00020.
gnomAD v4.1: 5 of 1,582,520 alleles (0.00032%); highest among the groups gnomAD compares: African/African-American, 0.004%; no homozygotes.

Submission:

Labcorp Genetics (formerly Invitae), Labcorp
Classification: Uncertain significance for Baller-Gerold syndrome. Last evaluated: 2025-08-13. Review status: criteria provided, single submitter. Criteria: Invitae Variant Classification Sherloc (09022015). Collection method: clinical testing. Allele origin: germline.
Comment: This sequence change replaces valine, which is neutral and non-polar, with alanine, which is neutral and non-polar, at codon 469 of the RECQL4 protein (p.Val469Ala). This variant is present in population databases (rs529104564, gnomAD 0.004%). This variant has not been reported in the literature in individuals affected with RECQL4-related conditions. ClinVar contains an entry for this variant (Variation ID: 640010). Invitae Evidence Modeling of protein sequence and biophysical properties (such as structural, functional, and spatial information, amino acid conservation, physicochemical variation, residue mobility, and thermodynamic stability) indicates that this missense variant is expected to disrupt RECQL4 protein function with a positive predictive value of 80%. In summary, the available evidence is currently insufficient to determine the role of this variant in disease. Therefore, it has been classified as a Variant of Uncertain Significance.